The following is an entry in ClinVar:

ClinVar aggregate classification (germline): Uncertain significance. Review status: criteria provided, multiple submitters, no conflicts (2 of 4 stars). 3 submissions from 3 submitters: Uncertain significance (2). 1 of the submissions does not count toward it. Last evaluated 2023-01-09.

Conditions:
Hyperkalemic periodic paralysis. Also called: Familial hyperkalemic periodic paralysis; Gamstorp disease. Identifiers: Orphanet 682, MedGen C0238357, MONDO:0008224, OMIM 170500, HP:0007215.

Allele frequency attached by ClinVar (database versions not stated): gnomAD exomes below 0.00001; TOPMed below 0.00001; gnomAD 0.00001.

Submissions (3):

GeneDx
Classification: Uncertain significance. Last evaluated: 2023-01-09. Review status: criteria provided, single submitter. Criteria: GeneDx Variant Classification Process June 2021. Collection method: clinical testing. Allele origin: germline. Affected: yes.
Comment: Not observed at significant frequency in large population cohorts (gnomAD); In silico analysis supports that this missense variant has a deleterious effect on protein structure/function; Has not been previously published as pathogenic or benign to our knowledge

Labcorp Genetics (formerly Invitae), Labcorp
Classification: Uncertain significance for Hyperkalemic periodic paralysis. Last evaluated: 2022-10-17. Review status: criteria provided, single submitter. Criteria: Invitae Variant Classification Sherloc (09022015). Collection method: clinical testing. Allele origin: germline.
Comment: This sequence change replaces methionine, which is neutral and non-polar, with isoleucine, which is neutral and non-polar, at codon 1312 of the SCN4A protein (p.Met1312Ile). In summary, the available evidence is currently insufficient to determine the role of this variant in disease. Therefore, it has been classified as a Variant of Uncertain Significance. Advanced modeling of protein sequence and biophysical properties (such as structural, functional, and spatial information, amino acid conservation, physicochemical variation, residue mobility, and thermodynamic stability) has been performed at Invitae for this missense variant, however the output from this modeling did not meet the statistical confidence thresholds required to predict the impact of this variant on SCN4A protein function. ClinVar contains an entry for this variant (Variation ID: 591176). This variant has not been reported in the literature in individuals affected with SCN4A-related conditions. This variant is not present in population databases (gnomAD no frequency).

Gharavi Laboratory, Columbia University
Classification: Uncertain significance. Last evaluated: 2018-09-16. Review status: no assertion criteria provided. Criteria: ACMG Guidelines, 2015. Collection method: research. Allele origin: germline. Affected: yes. Not counted in ClinVar's aggregate classification.

NM_000334.4(SCN4A):c.3936G>C (p.Met1312Ile)

Genes: GH-LCR (growth hormone locus control region; plus strand), SCN4A (sodium voltage-gated channel alpha subunit 4; minus strand). Cytogenetic location: 17q23.3.
Variant type: single nucleotide variant.
Coding change: c.3936G>C on transcript NM_000334.4 (MANE Select); coding-DNA position 3936, G replaced by C.
Protein change: p.Met1312Ile; replaces methionine 1312 with isoleucine.
Molecular consequence: missense variant.
Genome position (GRCh38, 1-based): chr17:63,943,827, C>G on the plus strand (G>C on the coding strand, the complement: SCN4A is on the minus strand). VCF-style: chr17-63943827-C-G. GRCh37 (hg19) VCF-style: chr17-62021187-C-G.
Other names: short protein forms M1312I.
Identifiers: ClinVar variation 591176 (VCV000591176.7), dbSNP rs1567817375, ClinGen allele CA400617126.